The following is an entry in ClinVar:

ClinVar aggregate classification (germline): Pathogenic. Review status: criteria provided, multiple submitters, no conflicts (2 of 4 stars). 3 submissions from 3 submitters: Pathogenic (3). Last evaluated 2026-06-22.

Conditions:
TG-related disorder. Also called: TG-related disorders; TG-related condition.
Iodotyrosyl coupling defect (TDH3). Also called: THYROID HORMONOGENESIS, GENETIC DEFECT IN, 3; HYPOTHYROIDISM, CONGENITAL, DUE TO DYSHORMONOGENESIS, 3. Identifiers: Orphanet 95716, MedGen C0342194, MONDO:0010135, OMIM 274700.
Autoimmune thyroid disease, susceptibility to, 3. Identifiers: MedGen C1842444, MONDO:0011982, OMIM 608175.

Allele frequency attached by ClinVar (database versions not stated): gnomAD 0.00003; TOPMed 0.00004; gnomAD exomes 0.00007; ESP Exome Variant Server 0.00008; ExAC 0.00009.
gnomAD v4.1: 109 of 1,614,076 alleles (0.0068%); highest among the groups gnomAD compares: Non-Finnish European, 0.0081%; 1 homozygote.

Submissions (3):

PreventionGenetics, part of Exact Sciences
Classification: Pathogenic for TG-related condition. Last evaluated: 2026-06-22. Review status: criteria provided, single submitter. Criteria: ACMG Guidelines, 2015. Collection method: clinical testing. Allele origin: germline.
Comment: The TG c.416G>A variant is predicted to result in premature protein termination (p.Trp139*). This variant was reported in the compound heterozygous state in an individual with thyroid dyshormonogenesis (Oliver-Petit et al. 2021. PubMed ID: 34248839). This variant is reported in 0.014% of alleles in individuals of European (Non-Finnish) descent in gnomAD. Nonsense variants in TG are expected to be pathogenic. This variant is interpreted as pathogenic.

Labcorp Genetics (formerly Invitae), Labcorp
Classification: Pathogenic. Last evaluated: 2024-03-21. Review status: criteria provided, single submitter. Criteria: Invitae Variant Classification Sherloc (09022015). Collection method: clinical testing. Allele origin: germline.
Comment: This sequence change creates a premature translational stop signal (p.Trp139*) in the TG gene. It is expected to result in an absent or disrupted protein product. Loss-of-function variants in TG are known to be pathogenic (PMID: 19837936, 23164529). This variant is present in population databases (rs141306917, gnomAD 0.01%), including at least one homozygous and/or hemizygous individual. This premature translational stop signal has been observed in individual(s) with thyroid dyshormonogenesis (PMID: 34248839). For these reasons, this variant has been classified as Pathogenic.

Fulgent Genetics
Classification: Pathogenic for Iodotyrosyl coupling defect; Autoimmune thyroid disease, susceptibility to, 3. Last evaluated: 2024-02-29. Review status: criteria provided, single submitter. Criteria: ACMG Guidelines, 2015. Collection method: clinical testing. Allele origin: germline.

Literature cited by the submitters: PubMed 19837936 (cited by Labcorp Genetics (formerly Invitae), Labcorp); PubMed 23164529 (cited by Labcorp Genetics (formerly Invitae), Labcorp); PubMed 34248839 (cited by Labcorp Genetics (formerly Invitae), Labcorp).

NM_003235.5(TG):c.416G>A (p.Trp139Ter)

Gene: TG (thyroglobulin; plus strand). Cytogenetic location: 8q24.22.
Variant type: single nucleotide variant.
Coding change: c.416G>A on transcript NM_003235.5 (MANE Select); coding-DNA position 416, G replaced by A.
Protein change: p.Trp139Ter; replaces tryptophan 139 with a stop codon.
Molecular consequence: nonsense.
Genome position (GRCh38, 1-based): chr8:132,871,489, G>A. VCF-style: chr8-132871489-G-A. GRCh37 (hg19) VCF-style: chr8-133883734-G-A.
Other names: short protein forms W139*.
Identifiers: ClinVar variation 2713686 (VCV002713686.5), dbSNP rs141306917, ClinGen allele CA4882895.
Genomic context (GRCh38, chr8:132,871,489, plus strand): 5'-AGTGTCAGGATTCAGGGGACTACGCGCCTGTTCAGTGTGATGTGCAGCAGGTCCAGTGCT[G>A]GTGTGTGGACGCAGAGGGGATGGAGGTGTATGGGACCCGCCAGCTGGGGAGGCCAAAGCG-3'